The following is an entry in ClinVar:

ClinVar aggregate classification (germline): Pathogenic (1 of 4 stars; one submission).

gnomAD v4.1: 1 of 1,551,640 alleles (0.000064%); highest among the groups gnomAD compares: Admixed American, 0.002%; no homozygotes.

Submission:

Labcorp Genetics (formerly Invitae), Labcorp
Classification: Pathogenic. Last evaluated: 2023-12-04. Review status: criteria provided, single submitter. Criteria: Invitae Variant Classification Sherloc (09022015). Collection method: clinical testing. Allele origin: germline.
Comment: This sequence change creates a premature translational stop signal (p.Tyr19*) in the LOXHD1 gene. It is expected to result in an absent or disrupted protein product. Loss-of-function variants in LOXHD1 are known to be pathogenic (PMID: 19732867, 21465660, 25792669). This variant is present in population databases (no rsID available, gnomAD 0.004%). This variant has not been reported in the literature in individuals affected with LOXHD1-related conditions. For these reasons, this variant has been classified as Pathogenic.

Literature cited by the submitters: PubMed 19732867; PubMed 21465660; PubMed 25792669.

NM_001384474.1(LOXHD1):c.57C>A (p.Tyr19Ter)

Gene: LOXHD1 (lipoxygenase homology PLAT domains 1; minus strand). Cytogenetic location: 18q21.1.
Variant type: single nucleotide variant.
Coding change: c.57C>A on transcript NM_001384474.1 (MANE Select); coding-DNA position 57, C replaced by A.
Protein change: p.Tyr19Ter; replaces tyrosine 19 with a stop codon.
Molecular consequence: nonsense.
Genome position (GRCh38, 1-based): chr18:46,656,977, G>T on the plus strand (C>A on the coding strand, the complement: LOXHD1 is on the minus strand). VCF-style: chr18-46656977-G-T. GRCh37 (hg19) VCF-style: chr18-44236940-G-T.
Other names: c.57C>A, p.Tyr19Ter (NM_144612.7); short protein forms Y19*.
Identifiers: ClinVar variation 2877562 (VCV002877562.3), dbSNP rs1175936301, ClinGen allele CA402374518.